The following is an entry in ClinVar:

ClinVar aggregate classification (germline): Uncertain significance (1 of 4 stars; one submission).

gnomAD v4.1: 2 of 1,612,998 alleles (0.00012%); highest among the groups gnomAD compares: Non-Finnish European, 0.00017%; no homozygotes.

Submission:

Mayo Clinic Laboratories, Mayo Clinic
Classification: Uncertain significance. Last evaluated: 2024-01-18. Review status: criteria provided, single submitter. Criteria: ACMG Guidelines, 2015. Collection method: clinical testing. Allele origin: germline. Observed: 1 variant allele.
Comment: PM2

NM_177924.5(ASAH1):c.753C>G (p.Phe251Leu)

Gene: ASAH1 (N-acylsphingosine amidohydrolase 1; minus strand). Cytogenetic location: 8p22.
Variant type: single nucleotide variant.
Coding change: c.753C>G on transcript NM_177924.5 (MANE Select); coding-DNA position 753, C replaced by G.
Protein change: p.Phe251Leu; replaces phenylalanine 251 with leucine.
Molecular consequence: missense variant.
Genome position (GRCh38, 1-based): chr8:18,061,409, G>C on the plus strand (C>G on the coding strand, the complement: ASAH1 is on the minus strand). VCF-style: chr8-18061409-G-C. GRCh37 (hg19) VCF-style: chr8-17918918-G-C.
Other names: p.Phe251Leu; c.735C>G, p.Phe245Leu (NM_001127505.3); c.558C>G, p.Phe186Leu (NM_001363743.2); c.801C>G, p.Phe267Leu (NM_004315.6); short protein forms F186L, F245L, F251L, F267L.
Identifiers: ClinVar variation 3379803 (VCV003379803.1).